The following is an entry in ClinVar:

NC_000022.10:g.(?_46739139)_(46752903_?)del

Gene: TRMU (tRNA mitochondrial 2-thiouridylase; plus strand). Cytogenetic location: 22q13.31.
Variant type: Deletion.
Identifiers: ClinVar variation 3248129 (VCV003248129.1).

ClinVar aggregate classification (germline): Pathogenic (1 of 4 stars; one submission).

Submission:

Labcorp Genetics (formerly Invitae), Labcorp
Classification: Pathogenic. Last evaluated: 2023-03-15. Review status: criteria provided, single submitter. Criteria: Invitae Variant Classification Sherloc (09022015). Collection method: clinical testing. Allele origin: unknown.
Comment: For these reasons, this variant has been classified as Pathogenic. This variant disrupts a region of the TRMU protein in which other variant(s) (p.Gln358_Val360dup) have been determined to be pathogenic (PMID: 21169334, 30369941). This suggests that this is a clinically significant region of the protein, and that variants that disrupt it are likely to be disease-causing. This variant has not been reported in the literature in individuals affected with TRMU-related conditions. This variant is a gross deletion of the genomic region encompassing exon(s) 3-11 of the TRMU gene, which includes the termination codon. This deletion extends beyond the assayed region for this gene and therefore may encompass additional genes. While this deletion is not anticipated to lead to nonsense mediated decay, it is expected to alter mRNA translation or result in a truncated protein product.

Literature cited by the submitters: PubMed 21169334; PubMed 30369941.